The following is an entry in ClinVar:

ClinVar aggregate classification (germline): Conflicting classifications of pathogenicity. Review status: criteria provided, conflicting classifications (1 of 4 stars). 4 submissions from 4 submitters: Uncertain significance (2); Benign (1); Likely benign (1). Last evaluated 2025-07-28.

Conditions:
Deafness-encephaloneuropathy-obesity-valvulopathy syndrome. Identifiers: Orphanet 254898, MedGen C3553354, MONDO:0013837, OMIM 614651.

Allele frequency attached by ClinVar (database versions not stated): gnomAD exomes 0.00001 and 0.00009; gnomAD 0.00003; TOPMed 0.00003; ESP Exome Variant Server 0.00008.

Submissions (4):

Labcorp Genetics (formerly Invitae), Labcorp
Classification: Likely benign. Last evaluated: 2025-07-28. Review status: criteria provided, single submitter. Criteria: Invitae Variant Classification Sherloc (09022015). Collection method: clinical testing. Allele origin: germline.

Fulgent Genetics
Classification: Uncertain significance for Deafness-encephaloneuropathy-obesity-valvulopathy syndrome. Last evaluated: 2023-12-27. Review status: criteria provided, single submitter. Criteria: ACMG Guidelines, 2015. Collection method: clinical testing. Allele origin: germline.

Illumina Laboratory Services, Illumina
Classification: Uncertain significance for Deafness-encephaloneuropathy-obesity-valvulopathy syndrome. Last evaluated: 2018-01-13. Review status: criteria provided, single submitter. Criteria: ICSL Variant Classification Criteria 13 December 2019. Collection method: clinical testing. Allele origin: germline.

GeneDx
Classification: Benign. Last evaluated: 2014-07-24. Review status: criteria provided, single submitter. Criteria: GeneDx Variant Classification (06012015). Collection method: clinical testing. Allele origin: germline. Affected: yes.
Comment: This variant is considered likely benign or benign based on one or more of the following criteria: it is a conservative change, it occurs at a poorly conserved position in the protein, it is predicted to be benign by multiple in silico algorithms, and/or has population frequency not consistent with disease.

NM_014317.5(PDSS1):c.1108-7C>G

Gene: PDSS1 (decaprenyl diphosphate synthase subunit 1; plus strand). Cytogenetic location: 10p12.1.
Variant type: single nucleotide variant.
Coding change: c.1108-7C>G on transcript NM_014317.5 (MANE Select); 7 bases into the intron before coding-DNA position 1108, C replaced by G.
Molecular consequence: intron variant.
Genome position (GRCh38, 1-based): chr10:26,746,326, C>G. VCF-style: chr10-26746326-C-G. GRCh37 (hg19) VCF-style: chr10-27035255-C-G.
Other names: c.598-7C>G (NM_001321979.2); c.917-7C>G (NM_001321978.2).
Identifiers: ClinVar variation 214977 (VCV000214977.9), dbSNP rs367942639, ClinGen allele CA325381.
Genomic context (GRCh38, chr10:26,746,326, plus strand): 5'-GCAGGAAGTTAAAACGCTGATTCAGTCAGTGACAGGCATCTGTTCTGTTTTGTTCTGTAT[C>G]TTATAGAGTGATGGTGTGCAACAAACAACCTACCTCGCCCAGCAGTACTGCCATGAAGCA-3'